The following is an entry in ClinVar:

NM_001035.3(RYR2):c.848+1del

Gene: RYR2 (ryanodine receptor 2; plus strand). Cytogenetic location: 1q43.
Variant type: Deletion.
Coding change: c.848+1del on transcript NM_001035.3 (MANE Select); the canonical splice donor site of the intron after coding-DNA position 848, one base deleted (G; older notation c.848+1delG).
Molecular consequence: splice donor variant.
Genome position (GRCh38, 1-based): chr1:237,417,124, G deleted. VCF-style (leftmost placement, unchanged base first): chr1-237417123-CG-C. GRCh37 (hg19) VCF-style: chr1-237580423-CG-C.
Identifiers: ClinVar variation 2774243 (VCV002774243.2), dbSNP rs2528016683, ClinGen allele CA2697547717.

ClinVar aggregate classification (germline): Uncertain significance (1 of 4 stars; one submission).

Conditions:
Cardiomyopathy (CMYO). Also called: Cardiomyopathies. Identifiers: Orphanet 167848, MedGen C0878544, MONDO:0004994, HP:0001638. Inheritance: Various modes of inheritance.

Submission:

Color Diagnostics, LLC DBA Color Health
Classification: Uncertain significance for Cardiomyopathy. Last evaluated: 2022-01-03. Review status: criteria provided, single submitter. Criteria: ACMG Guidelines, 2015. Collection method: clinical testing. Allele origin: germline.
Comment: This variant deletes a nucleotide at the +1 position of intron 11 of the RYR2 gene. Splice site prediction tools suggest that this variant may have a significant impact on RNA splicing. Although this prediction has not been confirmed in published RNA studies, this variant is expected to result in an absent or disrupted protein product. To our knowledge, this variant has not been reported in individuals affected with cardiovascular disorders in the literature. This variant has not been identified in the general population by the Genome Aggregation Database (gnomAD). The available evidence is insufficient to determine the role of this variant in disease conclusively. Therefore, this variant is classified as a Variant of Uncertain Significance.